The following is an entry in ClinVar:

NM_000284.4(PDHA1):c.900-17C>T

Gene: PDHA1 (pyruvate dehydrogenase E1 subunit alpha 1; plus strand). Cytogenetic location: Xp22.12.
Variant type: single nucleotide variant.
Coding change: c.900-17C>T on transcript NM_000284.4 (MANE Select); 17 bases into the intron before coding-DNA position 900, C replaced by T.
Molecular consequence: intron variant.
Genome position (GRCh38, 1-based): chrX:19,358,899, C>T. VCF-style: chrX-19358899-C-T. GRCh37 (hg19) VCF-style: chrX-19377017-C-T.
Other names: c.1014-17C>T (NM_001173454.2); c.921-17C>T (NM_001173455.2); c.807-17C>T (NM_001173456.2).
Identifiers: ClinVar variation 515733 (VCV000515733.1), dbSNP rs1196796985, ClinGen allele CA640522566.
Genomic context (GRCh38, chrX:19,358,899, plus strand): 5'-TATCATGTTTCATCACGCCGTCCTTGCTCTACTGGAACTGCTCTTACTGATCGATTACTA[C>T]TTTTCCCTCCCCATAGTTACCGTACACGAGAAGAAATTCAGGAAGTAAGAAGTAAGAGTG-3'

ClinVar aggregate classification (germline): Likely benign (1 of 4 stars; one submission).

Allele frequency attached by ClinVar (database versions not stated): gnomAD 0.00001; gnomAD exomes 0.00001.
gnomAD v4.1: 14 of 1,002,641 alleles (0.0014%); highest among the groups gnomAD compares: South Asian, 0.0019%; no homozygotes.

Submission:

GeneDx
Classification: Likely benign. Last evaluated: 2018-03-06. Review status: criteria provided, single submitter. Criteria: GeneDx Variant Classification (06012015). Collection method: clinical testing. Allele origin: germline. Affected: yes.
Comment: This variant is considered likely benign or benign based on one or more of the following criteria: it is a conservative change, it occurs at a poorly conserved position in the protein, it is predicted to be benign by multiple in silico algorithms, and/or has population frequency not consistent with disease.